The following is an entry in ClinVar:

NM_003331.5(TYK2):c.2821C>G (p.Arg941Gly)

Gene: TYK2 (tyrosine kinase 2; minus strand). Cytogenetic location: 19p13.2.
Variant type: single nucleotide variant.
Coding change: c.2821C>G on transcript NM_003331.5 (MANE Select); coding-DNA position 2821, C replaced by G.
Protein change: p.Arg941Gly; replaces arginine 941 with glycine.
Molecular consequence: missense variant.
Genome position (GRCh38, 1-based): chr19:10,354,129, G>C on the plus strand (C>G on the coding strand, the complement: TYK2 is on the minus strand). VCF-style: chr19-10354129-G-C. GRCh37 (hg19) VCF-style: chr19-10464805-G-C.
Other names: c.2821C>G, p.Arg941Gly (NM_001385197.1, NM_001385198.1); c.2635C>G, p.Arg879Gly (NM_001385199.1); c.2818C>G, p.Arg940Gly (NM_001385200.1); c.2623C>G, p.Arg875Gly (NM_001385201.1); c.2737C>G, p.Arg913Gly (NM_001385202.1); c.2902C>G, p.Arg968Gly (NM_001385203.1); c.3031C>G, p.Arg1011Gly (NM_001385204.1); c.2731C>G, p.Arg911Gly (NM_001385205.1); and 2 more; short protein forms R875G, R879G, R913G, R941G, R1011G, R899G, R935G, R911G.
Identifiers: ClinVar variation 1399710 (VCV001399710.6), dbSNP rs2040960541, ClinGen allele CA403988289.

ClinVar aggregate classification (germline): Uncertain significance (1 of 4 stars; one submission).

Conditions:
Immunodeficiency 35 (IMD35). Also called: TYK2 DEFICIENCY; Susceptibility to infection due to TYK2 deficiency; HIES WITH ATYPICAL MYCOBACTERIOSIS, AUTOSOMAL RECESSIVE; HYPER-IgE SYNDROME WITH ATYPICAL MYCOBACTERIOSIS, AUTOSOMAL RECESSIVE. Identifiers: Orphanet 331226, MedGen C1969086, MONDO:0012682, OMIM 611521.

Submission:

Labcorp Genetics (formerly Invitae), Labcorp
Classification: Uncertain significance for Immunodeficiency 35. Last evaluated: 2021-10-14. Review status: criteria provided, single submitter. Criteria: Invitae Variant Classification Sherloc (09022015). Collection method: clinical testing. Allele origin: germline.
Comment: Algorithms developed to predict the effect of missense changes on protein structure and function are either unavailable or do not agree on the potential impact of this missense change (SIFT: "Not Available"; PolyPhen-2: "Benign"; Align-GVGD: "Not Available"). This variant has not been reported in the literature in individuals affected with TYK2-related conditions. This variant is not present in population databases (ExAC no frequency). This sequence change replaces arginine with glycine at codon 941 of the TYK2 protein (p.Arg941Gly). The arginine residue is highly conserved and there is a moderate physicochemical difference between arginine and glycine. In summary, the available evidence is currently insufficient to determine the role of this variant in disease. Therefore, it has been classified as a Variant of Uncertain Significance.